The following is an entry in ClinVar:

NM_001366521.1(ATP2B1):c.518A>G (p.Asn173Ser)

Gene: ATP2B1 (ATPase plasma membrane Ca2+ transporting 1; minus strand). Cytogenetic location: 12q21.33.
Variant type: single nucleotide variant.
Coding change: c.518A>G on transcript NM_001366521.1 (MANE Select); coding-DNA position 518, A replaced by G.
Protein change: p.Asn173Ser; replaces asparagine 173 with serine.
Molecular consequence: missense variant. On other transcripts: non-coding transcript variant (3), intron variant (7).
Genome position (GRCh38, 1-based): chr12:89,635,140, T>C on the plus strand (A>G on the coding strand, the complement: ATP2B1 is on the minus strand). VCF-style: chr12-89635140-T-C. GRCh37 (hg19) VCF-style: chr12-90028917-T-C.
Other names: c.518A>G, p.Asn173Ser (NM_001001323.2, NM_001366520.1, NM_001366522.1 and 17 more transcripts); c.320A>G, p.Asn107Ser (NM_001366530.1, NM_001413053.1); c.406+7018A>G (NM_001413060.1, NM_001366531.1, NM_001413058.1 and 2 more transcripts); c.407-237A>G (NM_001413056.1); c.209-237A>G (NM_001413057.1); short protein forms N107S, N173S.
Identifiers: ClinVar variation 4689896 (VCV004689896.2).

ClinVar aggregate classification (germline): Uncertain significance (1 of 4 stars; one submission).

gnomAD v4.1: 1 of 1,613,934 alleles (0.000062%); highest among the groups gnomAD compares: Non-Finnish European, 0.000085%; no homozygotes.

Submission:

GeneDx
Classification: Uncertain significance. Last evaluated: 2026-03-06. Review status: criteria provided, single submitter. Criteria: GeneDx Variant Classification Process June 2021. Collection method: clinical testing. Allele origin: germline.
Comment: Not observed at significant frequency in large population cohorts (gnomAD); In silico analysis supports that this missense variant has a deleterious effect on protein structure/function; Has not been previously published as pathogenic or benign to our knowledge